The following is an entry in ClinVar:

NM_000092.5(COL4A4):c.1162G>A (p.Gly388Ser)

Gene: COL4A4 (collagen type IV alpha 4 chain; minus strand). Cytogenetic location: 2q36.3.
Variant type: single nucleotide variant.
Coding change: c.1162G>A on transcript NM_000092.5 (MANE Select); coding-DNA position 1162, G replaced by A.
Protein change: p.Gly388Ser; replaces glycine 388 with serine.
Molecular consequence: missense variant.
Genome position (GRCh38, 1-based): chr2:227,098,736, C>T on the plus strand (G>A on the coding strand, the complement: COL4A4 is on the minus strand). VCF-style: chr2-227098736-C-T. GRCh37 (hg19) VCF-style: chr2-227963452-C-T.
Other names: short protein forms G388S.
Identifiers: ClinVar variation 2125732 (VCV002125732.5), dbSNP rs2475419041, ClinGen allele CA350853967.

ClinVar aggregate classification (germline): Uncertain significance. Review status: criteria provided, multiple submitters, no conflicts (2 of 4 stars). 2 submissions from 2 submitters: Uncertain significance (2). Last evaluated 2026-06-17.

Conditions:
Inborn genetic diseases. Identifiers: MedGen C0950123, MeSH D030342.

Submissions (2):

Ambry Genetics
Classification: Uncertain significance for Inborn genetic diseases. Last evaluated: 2026-06-17. Review status: criteria provided, single submitter. Criteria: Ambry Variant Classification Scheme 2023. Collection method: clinical testing. Allele origin: germline.

Labcorp Genetics (formerly Invitae), Labcorp
Classification: Uncertain significance. Last evaluated: 2022-04-12. Review status: criteria provided, single submitter. Criteria: Invitae Variant Classification Sherloc (09022015). Collection method: clinical testing. Allele origin: germline.
Comment: This variant has not been reported in the literature in individuals affected with COL4A4-related conditions. This variant is not present in population databases (gnomAD no frequency). This sequence change replaces glycine, which is neutral and non-polar, with serine, which is neutral and polar, at codon 388 of the COL4A4 protein (p.Gly388Ser). Advanced modeling of protein sequence and biophysical properties (such as structural, functional, and spatial information, amino acid conservation, physicochemical variation, residue mobility, and thermodynamic stability) performed at Invitae indicates that this missense variant is expected to disrupt COL4A4 protein function. In summary, the available evidence is currently insufficient to determine the role of this variant in disease. Therefore, it has been classified as a Variant of Uncertain Significance.